The following is an entry in ClinVar:

ClinVar aggregate classification (germline): Benign. Review status: criteria provided, multiple submitters, no conflicts (2 of 4 stars). 6 submissions from 6 submitters: Benign (4). 2 of the submissions do not count toward it. Last evaluated 2021-07-10.

Conditions:
Congenital hyperammonemia, type I. Also called: Carbamoyl phosphate synthetase 1 deficiency; Hyperammonemia due to carbamoyl phosphate synthetase 1 deficiency; CPS 1 deficiency; Carbamyl phosphate synthetase (CPS) deficiency; CPS I DEFICIENCY; Carbamoyl-phosphate synthase I deficiency. Identifiers: Orphanet 147, MedGen C4082171, MONDO:0009376, OMIM 237300.

Allele frequency attached by ClinVar (database versions not stated): gnomAD exomes 0.51232 and 0.51279; 1000 Genomes Project 30x 0.47408; ExAC 0.50657; gnomAD 0.43006 and 0.43855; TOPMed 0.43874; 1000 Genomes Project 0.48083; ESP Exome Variant Server 0.42757.
gnomAD v4.1: 813,151 of 1,610,330 alleles (50%); highest among the groups gnomAD compares: East Asian, 60%; 209,952 homozygotes.

Submissions (6):

Genome-Nilou Lab
Classification: Benign for Congenital hyperammonemia, type I. Last evaluated: 2021-07-10. Review status: criteria provided, single submitter. Criteria: ACMG Guidelines, 2015. Collection method: clinical testing. Allele origin: germline. Affected: no.

Clinical Genetics DNA and cytogenetics Diagnostics Lab, Erasmus MC, Erasmus Medical Center
Classification: Benign for Congenital hyperammonemia, type I. Last evaluated: 2017-05-31. Review status: criteria provided, single submitter. Criteria: ACGS Guidelines, 2013. Collection method: clinical testing. Allele origin: germline. Affected: yes. Study: VKGL Data-share Consensus.

GeneDx
Classification: Benign. Last evaluated: 2013-07-25. Review status: criteria provided, single submitter. Criteria: GeneDx Variant Classification (06012015). Collection method: clinical testing. Allele origin: germline. Affected: yes.
Comment: This variant is considered likely benign or benign based on one or more of the following criteria: it is a conservative change, it occurs at a poorly conserved position in the protein, it is predicted to be benign by multiple in silico algorithms, and/or has population frequency not consistent with disease.

Breakthrough Genomics
Classification: Benign. Review status: criteria provided, single submitter. Criteria: ACMG Guidelines, 2015. Collection method: not provided. Allele origin: germline. Inheritance: Autosomal recessive inheritance. Affected: yes.

Clinical Genetics, Academic Medical Center
Classification: Benign. Review status: no assertion criteria provided. Collection method: clinical testing. Allele origin: germline. Affected: yes. Study: VKGL Data-share Consensus. Not counted in ClinVar's aggregate classification.

Joint Genome Diagnostic Labs from Nijmegen and Maastricht, Radboudumc and MUMC+
Classification: Benign. Review status: no assertion criteria provided. Collection method: clinical testing. Allele origin: germline. Affected: yes. Study: VKGL Data-share Consensus. Not counted in ClinVar's aggregate classification.

NM_001122633.3(CPS1):c.-16+12G>A

Gene: CPS1 (carbamoyl-phosphate synthase 1; plus strand). Cytogenetic location: 2q34.
Variant type: single nucleotide variant.
Coding change: c.-16+12G>A on transcript NM_001122633.3; 12 bases into the intron after 16 bases upstream of the start codon, G replaced by A.
Molecular consequence: intron variant.
Genome position (GRCh38, 1-based): chr2:210,477,778, G>A. VCF-style: chr2-210477778-G-A. GRCh37 (hg19) VCF-style: chr2-211342502-G-A.
Other names: c.-136+12G>A (NM_001369257.1).
Identifiers: ClinVar variation 137026 (VCV000137026.12), dbSNP rs17552879, ClinGen allele CA290509.